The following is an entry in ClinVar:

ClinVar aggregate classification (germline): Uncertain significance (1 of 4 stars; one submission).

Submission:

Labcorp Genetics (formerly Invitae), Labcorp
Classification: Uncertain significance. Last evaluated: 2023-08-24. Review status: criteria provided, single submitter. Criteria: Invitae Variant Classification Sherloc (09022015). Collection method: clinical testing. Allele origin: germline.
Comment: In summary, the available evidence is currently insufficient to determine the role of this variant in disease. Therefore, it has been classified as a Variant of Uncertain Significance. An algorithm developed to predict the effect of missense changes on protein structure and function (PolyPhen-2) suggests that this variant is likely to be tolerated. This variant has not been reported in the literature in individuals affected with DSTYK-related conditions. This variant is not present in population databases (gnomAD no frequency). This sequence change replaces glycine, which is neutral and non-polar, with cysteine, which is neutral and slightly polar, at codon 76 of the DSTYK protein (p.Gly76Cys).

NM_015375.3(DSTYK):c.226G>T (p.Gly76Cys)

Gene: DSTYK (dual serine/threonine and tyrosine protein kinase; minus strand). Cytogenetic location: 1q32.1.
Variant type: single nucleotide variant.
Coding change: c.226G>T on transcript NM_015375.3 (MANE Select); coding-DNA position 226, G replaced by T.
Protein change: p.Gly76Cys; replaces glycine 76 with cysteine.
Molecular consequence: missense variant.
Genome position (GRCh38, 1-based): chr1:205,211,310, C>A on the plus strand (G>T on the coding strand, the complement: DSTYK is on the minus strand). VCF-style: chr1-205211310-C-A. GRCh37 (hg19) VCF-style: chr1-205180438-C-A.
Other names: c.226G>T, p.Gly76Cys (NM_199462.3); short protein forms G76C.
Identifiers: ClinVar variation 2754945 (VCV002754945.3), dbSNP rs1398168450, ClinGen allele CA344403513.